The following is an entry in ClinVar:

NM_000038.6(APC):c.997A>C (p.Thr333Pro)

Gene: APC (APC regulator of Wnt signaling pathway; plus strand). Cytogenetic location: 5q22.2.
Variant type: single nucleotide variant.
Coding change: c.997A>C on transcript NM_000038.6 (MANE Select); coding-DNA position 997, A replaced by C.
Protein change: p.Thr333Pro; replaces threonine 333 with proline.
Molecular consequence: missense variant. On other transcripts: intron variant (4).
Genome position (GRCh38, 1-based): chr5:112,819,029, A>C. VCF-style: chr5-112819029-A-C. GRCh37 (hg19) VCF-style: chr5-112154726-A-C.
Other names: c.997A>C, p.Thr333Pro (NM_001127510.3, NM_001354895.2, NM_001354896.2); c.943A>C, p.Thr315Pro (NM_001127511.3); c.1027A>C, p.Thr343Pro (NM_001354897.2); c.922A>C, p.Thr308Pro (NM_001354898.2); c.913A>C, p.Thr305Pro (NM_001354899.2); c.820A>C, p.Thr274Pro (NM_001354900.2, NM_001354901.2); c.148A>C, p.Thr50Pro (NM_001354906.2); c.964-240A>C (NM_001354902.2); and 3 more; short protein forms T343P, T50P, T305P, T308P, T333P, T274P, T315P.
Identifiers: ClinVar variation 641366 (VCV000641366.12), dbSNP rs1580528133, ClinGen allele CA16023491.

ClinVar aggregate classification (germline): Uncertain significance (1 of 4 stars; one submission).

Conditions:
Familial adenomatous polyposis 1 (FAP1). Also called: POLYPOSIS, ADENOMATOUS INTESTINAL; FAMILIAL ADENOMATOUS POLYPOSIS 1, ATTENUATED. Identifiers: MedGen C2713442, MONDO:0021056, OMIM 175100. Disease mechanism: loss of function.

Submission:

Labcorp Genetics (formerly Invitae), Labcorp
Classification: Uncertain significance for Familial adenomatous polyposis 1. Last evaluated: 2019-09-21. Review status: criteria provided, single submitter. Criteria: Invitae Variant Classification Sherloc (09022015). Collection method: clinical testing. Allele origin: germline.
Comment: In summary, the available evidence is currently insufficient to determine the role of this variant in disease. Therefore, it has been classified as a Variant of Uncertain Significance. Algorithms developed to predict the effect of missense changes on protein structure and function are either unavailable or do not agree on the potential impact of this missense change (SIFT: "Deleterious"; PolyPhen-2: "Probably Damaging"; Align-GVGD: "Class C0"). This variant has not been reported in the literature in individuals with APC-related disease. This variant is not present in population databases (ExAC no frequency). This sequence change replaces threonine with proline at codon 333 of the APC protein (p.Thr333Pro). The threonine residue is highly conserved and there is a small physicochemical difference between threonine and proline.